The following is an entry in ClinVar:

ClinVar aggregate classification (germline): Likely pathogenic. Review status: criteria provided, multiple submitters, no conflicts (2 of 4 stars). 2 submissions from 2 submitters: Likely pathogenic (2). Last evaluated 2026-03-25.

Conditions:
Inborn genetic diseases. Identifiers: MedGen C0950123, MeSH D030342.

Submissions (2):

Ambry Genetics
Classification: Likely pathogenic for Inborn genetic diseases. Last evaluated: 2026-03-25. Review status: criteria provided, single submitter. Criteria: Ambry Variant Classification Scheme 2023. Collection method: clinical testing. Allele origin: germline.
Comment: The c.1303-2A>G intronic variant results from an A to G substitution two nucleotides upstream from coding exon 13 in the DDX41 gene. This variant is considered to be rare based on population cohorts in the Genome Aggregation Database (gnomAD). This nucleotide position is highly conserved in available vertebrate species. In silico splice site analysis predicts that this alteration will weaken the native splice acceptor site and will result in the creation or strengthening of a novel splice acceptor site. Variants that disrupt the canonical splice site are expected to cause aberrant splicing, resulting in an abnormal protein or a transcript that is subject to nonsense-mediated mRNA decay. As such, this variant is classified as likely pathogenic mutation.

Genetic Services Laboratory, University of Chicago
Classification: Likely pathogenic. Last evaluated: 2024-05-30. Review status: criteria provided, single submitter. Criteria: ACMG Guidelines, 2015. Collection method: clinical testing. Allele origin: germline. Affected: yes.
Comment: DNA sequence analysis of the DDX41 gene demonstrated a sequence change located in the canonical splice acceptor site in intron 12, c.1303-2A>G. This sequence change does not appear to have been previously described in individuals with DDX41-related disorders and has not been described in the population databases such as ExAC and gnomAD. This sequence change is predicted to affect normal splicing of the DDX41 gene, which would result in an abnormal/unstable protein, however functional studies have not been performed to prove this conclusively. A similar splice site variant, c.1303-1G>A, affecting the same splice acceptor site, has previously been described in an individual with acute myeloid leukemia in whom a second DDX1 somatic variant was present (PMID: 36322930). We interpret this variant as likely pathogenic.

NM_016222.4(DDX41):c.1303-2A>G

Gene: DDX41 (DEAD-box helicase 41; minus strand). Cytogenetic location: 5q35.3.
Variant type: single nucleotide variant.
Coding change: c.1303-2A>G on transcript NM_016222.4 (MANE Select); the canonical splice acceptor site of the intron before coding-DNA position 1303, A replaced by G.
Molecular consequence: splice acceptor variant.
Genome position (GRCh38, 1-based): chr5:177,512,878, T>C on the plus strand (A>G on the coding strand, the complement: DDX41 is on the minus strand). VCF-style: chr5-177512878-T-C. GRCh37 (hg19) VCF-style: chr5-176939879-T-C.
Other names: c.925-2A>G (NM_001321830.2, NM_001321732.2); c.1303-2A>G (NM_016222.2).
Identifiers: ClinVar variation 4082415 (VCV004082415.3).